The following is an entry in ClinVar:

NM_003743.5(NCOA1):c.2185T>C (p.Ser729Pro)

Gene: NCOA1 (nuclear receptor coactivator 1; plus strand). Cytogenetic location: 2p23.3.
Variant type: single nucleotide variant.
Coding change: c.2185T>C on transcript NM_003743.5 (MANE Select); coding-DNA position 2185, T replaced by C.
Protein change: p.Ser729Pro; replaces serine 729 with proline.
Molecular consequence: missense variant.
Genome position (GRCh38, 1-based): chr2:24,707,655, T>C. VCF-style: chr2-24707655-T-C. GRCh37 (hg19) VCF-style: chr2-24930524-T-C.
Other names: c.2185T>C, p.Ser729Pro (NM_001362950.1, NM_001362952.1, NM_001362954.1 and 3 more transcripts); short protein forms S729P.
Identifiers: ClinVar variation 2274350 (VCV002274350.5), dbSNP rs373210831, ClinGen allele CA1552360.

ClinVar aggregate classification (germline): Uncertain significance. Review status: criteria provided, multiple submitters, no conflicts (2 of 4 stars). 2 submissions from 2 submitters: Uncertain significance (2). Last evaluated 2025-01-30.

Conditions:
NCOA1-related disorder. Also called: NCOA1-related condition.

Allele frequency attached by ClinVar (database versions not stated): ExAC 0.00001; gnomAD 0.00002; gnomAD exomes 0.00002; TOPMed 0.00002; ESP Exome Variant Server 0.00008.
gnomAD v4.1: 31 of 1,614,020 alleles (0.0019%); highest among the groups gnomAD compares: Non-Finnish European, 0.0026%; no homozygotes.

Submissions (2):

PreventionGenetics, part of Exact Sciences
Classification: Uncertain significance for NCOA1-related condition. Last evaluated: 2025-01-30. Review status: criteria provided, single submitter. Criteria: ACMG Guidelines, 2015. Collection method: clinical testing. Allele origin: germline.
Comment: The NCOA1 c.2185T>C variant is predicted to result in the amino acid substitution p.Ser729Pro. To our knowledge, this variant has not been reported in the literature. This variant is reported in 0.0016% of alleles in individuals of European (Non-Finnish) descent in gnomAD. At this time, the clinical significance of this variant is uncertain due to the absence of conclusive functional and genetic evidence.

Ambry Genetics
Classification: Uncertain significance. Last evaluated: 2022-01-27. Review status: criteria provided, single submitter. Criteria: Ambry Variant Classification Scheme 2023. Collection method: clinical testing. Allele origin: germline.